The following is an entry in ClinVar:

ClinVar aggregate classification (germline): Uncertain significance (1 of 4 stars; one submission).

Conditions:
Deafness-lymphedema-leukemia syndrome. Also called: Emberger syndrome; Lymphedema, primary, with myelodysplasia. Identifiers: Orphanet 3226, MedGen C3279664, MONDO:0013540, OMIM 614038.
Monocytopenia with susceptibility to infections. Also called: GATA2 DEFICIENCY; MONOCYTOPENIA AND MYCOBACTERIAL INFECTION SYNDROME; MONOCYTOPENIA WITH SUSCEPTIBILITY TO MYCOBACTERIAL, FUNGAL, AND PAPILLOMAVIRUS INFECTIONS AND MYELODYSPLASIA; COMBINED IMMUNODEFICIENCY WITH SUSCEPTIBILITY TO MYCOBACTERIAL, VIRAL, AND FUNGAL INFECTIONS; IMMUNODEFICIENCY 21; Dendritic cell, monocyte, B lymphocyte, and natural killer lymphocyte deficiency. Identifiers: Orphanet 228423, MedGen C3280030, MONDO:0013607, OMIM 614172.

Submission:

Labcorp Genetics (formerly Invitae), Labcorp
Classification: Uncertain significance for Monocytopenia with susceptibility to infections; Deafness-lymphedema-leukemia syndrome. Last evaluated: 2023-03-07. Review status: criteria provided, single submitter. Criteria: Invitae Variant Classification Sherloc (09022015). Collection method: clinical testing. Allele origin: germline.
Comment: In summary, the available evidence is currently insufficient to determine the role of this variant in disease. Therefore, it has been classified as a Variant of Uncertain Significance. An algorithm developed to predict the effect of missense changes on protein structure and function (PolyPhen-2) suggests that this variant is likely to be tolerated. ClinVar contains an entry for this variant (Variation ID: 1444697). This variant has not been reported in the literature in individuals affected with GATA2-related conditions. Information on the frequency of this variant in the gnomAD database is not available, as this variant may be reported differently in the database. This sequence change replaces serine, which is neutral and polar, with threonine, which is neutral and polar, at codon 261 of the GATA2 protein (p.Ser261Thr).

NM_032638.5(GATA2):c.782_783delinsCT (p.Ser261Thr)

Gene: GATA2 (GATA binding protein 2; minus strand). Cytogenetic location: 3q21.3.
Variant type: Indel.
Coding change: c.782_783delinsCT on transcript NM_032638.5 (MANE Select); coding-DNA positions 782 to 783, GC replaced by CT.
Protein change: p.Ser261Thr; replaces serine 261 with threonine.
Molecular consequence: missense variant.
Genome position (GRCh38, 1-based): chr3:128,485,815-128,485,816, GC replaced by AG on the plus strand (GC replaced by CT on the coding strand, the reverse complement: GATA2 is on the minus strand). VCF-style: chr3-128485815-GC-AG. GRCh37 (hg19) VCF-style: chr3-128204658-GC-AG.
Other names: c.782_783delinsCT, p.Ser261Thr (NM_001145661.2, NM_001145662.1); short protein forms S261T.
Identifiers: ClinVar variation 1444697 (VCV001444697.6), dbSNP rs2107671953, ClinGen allele CA2573136525.